The following is an entry in ClinVar:

NM_030662.4(MAP2K2):c.602T>C (p.Leu201Pro)

Gene: MAP2K2 (mitogen-activated protein kinase kinase 2; minus strand). Cytogenetic location: 19p13.3.
Variant type: single nucleotide variant.
Coding change: c.602T>C on transcript NM_030662.4 (MANE Select); coding-DNA position 602, T replaced by C.
Protein change: p.Leu201Pro; replaces leucine 201 with proline.
Molecular consequence: missense variant.
Genome position (GRCh38, 1-based): chr19:4,101,122, A>G on the plus strand (T>C on the coding strand, the complement: MAP2K2 is on the minus strand). VCF-style: chr19-4101122-A-G. GRCh37 (hg19) VCF-style: chr19-4101120-A-G.
Other names: short protein forms L201P.
Identifiers: ClinVar variation 2016360 (VCV002016360.4), dbSNP rs2041002840, ClinGen allele CA403388731.

ClinVar aggregate classification (germline): Uncertain significance (1 of 4 stars; one submission).

Conditions:
RASopathy. Also called: rasopathies; Noonan spectrum disorder. Identifiers: Orphanet 536391, MedGen C5555857, MONDO:0021060.

Submission:

Labcorp Genetics (formerly Invitae), Labcorp
Classification: Uncertain significance for RASopathy. Last evaluated: 2022-07-12. Review status: criteria provided, single submitter. Criteria: Invitae Variant Classification Sherloc (09022015). Collection method: clinical testing. Allele origin: germline.
Comment: In summary, the available evidence is currently insufficient to determine the role of this variant in disease. Therefore, it has been classified as a Variant of Uncertain Significance. Advanced modeling of protein sequence and biophysical properties (such as structural, functional, and spatial information, amino acid conservation, physicochemical variation, residue mobility, and thermodynamic stability) performed at Invitae indicates that this missense variant is expected to disrupt MAP2K2 protein function. This variant has not been reported in the literature in individuals affected with MAP2K2-related conditions. This variant is not present in population databases (gnomAD no frequency). This sequence change replaces leucine, which is neutral and non-polar, with proline, which is neutral and non-polar, at codon 201 of the MAP2K2 protein (p.Leu201Pro).